The following is an entry in ClinVar:

NM_015365.3(AMMECR1):c.835G>T (p.Gly279Ter)

Gene: AMMECR1 (AMMECR nuclear protein 1; minus strand). Cytogenetic location: Xq23.
Variant type: single nucleotide variant.
Coding change: c.835G>T on transcript NM_015365.3 (MANE Select); coding-DNA position 835, G replaced by T.
Protein change: p.Gly279Ter; replaces glycine 279 with a stop codon.
Molecular consequence: nonsense.
Genome position (GRCh38, 1-based): chrX:110,201,006, C>A on the plus strand (G>T on the coding strand, the complement: AMMECR1 is on the minus strand). VCF-style: chrX-110201006-C-A. GRCh37 (hg19) VCF-style: chrX-109444234-C-A.
Other names: c.724G>T, p.Gly242Ter (NM_001025580.2); c.466G>T, p.Gly156Ter (NM_001171689.2); short protein forms G156*, G242*, G279*.
Identifiers: ClinVar variation 3901027 (VCV003901027.1).
Genomic context (GRCh38, chrX:110,201,006, plus strand): 5'-TTCTGTACCTGGTCAGTTTTATGGTTTTCCTGAATTCATTAGTAATCGGAGCTTTGTATC[C>A]TCCTTTCCTCAATAAGGAGTCTATGGTCTGTATATGGTCCCATCCTGTAGAGAGATGACC-3'

ClinVar aggregate classification (germline): Uncertain significance (1 of 4 stars; one submission).

Conditions:
Midface hypoplasia, hearing impairment, elliptocytosis, and nephrocalcinosis (MFHIEN). Identifiers: Orphanet 688581, MedGen C4310810, MONDO:0010516, OMIM 300990.

Submission:

Laboratorio de Genetica e Diagnostico Molecular, Hospital Israelita Albert Einstein
Classification: Uncertain significance for Midface hypoplasia, hearing impairment, elliptocytosis, and nephrocalcinosis. Last evaluated: 2025-03-17. Review status: criteria provided, single submitter. Criteria: ACMG Guidelines, 2015. Collection method: clinical testing. Allele origin: germline. Affected: yes.
Comment: ACMG classification criteria: PVS1 strong, PM2 supporting